The following is an entry in ClinVar:

ClinVar aggregate classification (germline): Uncertain significance (1 of 4 stars; one submission).

Conditions:
X-linked distal spinal muscular atrophy type 3. Also called: SPINAL MUSCULAR ATROPHY, DISTAL, X-LINKED RECESSIVE; NEURONOPATHY, DISTAL HEREDITARY MOTOR, X-LINKED; NEUROPATHY, DISTAL HEREDITARY MOTOR, X-LINKED; ATP7A-Related Distal Motor Neuropathy. Identifiers: Orphanet 139557, MedGen C1845359, MONDO:0010338, OMIM 300489.
Menkes kinky-hair syndrome (MNK). Also called: Copper transport disease; Classic Menkes Disease; Menkes Disease. Identifiers: Orphanet 565, MedGen C0022716, MONDO:0010651, OMIM 309400.
Cutis laxa, X-linked (OHS). Also called: EDS IX; Occipital horn syndrome. Identifiers: Orphanet 198, MedGen C0268353, MONDO:0010572, OMIM 304150.

Submission:

Labcorp Genetics (formerly Invitae), Labcorp
Classification: Uncertain significance for X-linked distal spinal muscular atrophy type 3; Cutis laxa, X-linked; Menkes kinky-hair syndrome. Last evaluated: 2022-08-13. Review status: criteria provided, single submitter. Criteria: Invitae Variant Classification Sherloc (09022015). Collection method: clinical testing. Allele origin: germline.
Comment: In summary, the available evidence is currently insufficient to determine the role of this variant in disease. Therefore, it has been classified as a Variant of Uncertain Significance. Advanced modeling of protein sequence and biophysical properties (such as structural, functional, and spatial information, amino acid conservation, physicochemical variation, residue mobility, and thermodynamic stability) performed at Invitae indicates that this missense variant is not expected to disrupt ATP7A protein function. This variant has not been reported in the literature in individuals affected with ATP7A-related conditions. This variant is not present in population databases (gnomAD no frequency). This sequence change replaces threonine, which is neutral and polar, with alanine, which is neutral and non-polar, at codon 1053 of the ATP7A protein (p.Thr1053Ala).

NM_000052.7(ATP7A):c.3157A>G (p.Thr1053Ala)

Gene: ATP7A (ATPase copper transporting alpha; plus strand). Cytogenetic location: Xq21.1.
Variant type: single nucleotide variant.
Coding change: c.3157A>G on transcript NM_000052.7 (MANE Select); coding-DNA position 3157, A replaced by G.
Protein change: p.Thr1053Ala; replaces threonine 1053 with alanine.
Molecular consequence: missense variant. On other transcripts: non-coding transcript variant (1).
Genome position (GRCh38, 1-based): chrX:78,031,445, A>G. VCF-style: chrX-78031445-A-G. GRCh37 (hg19) VCF-style: chrX-77286943-A-G.
Other names: c.2923A>G, p.Thr975Ala (NM_001282224.2); short protein forms T1053A, T975A.
Identifiers: ClinVar variation 1716336 (VCV001716336.6), dbSNP rs2522397044, ClinGen allele CA413603520.
Genomic context (GRCh38, chrX:78,031,445, plus strand): 5'-TTAATTTTTTTACAGGTAAAGGTAGTGGTATTTGATAAGACTGGAACCATTACTCACGGA[A>G]CCCCAGTGGTGAATCAAGTAAAGGTTCTAACTGAAAGTAACAGAATATCACACCATAAAA-3'
Protein context (NP_000043.4, residues 1043-1063): FDKTGTITHG[Thr1053Ala]PVVNQVKVLT